The following is an entry in ClinVar:

NC_000005.10:g.(?_74685261)_(74697106_?)del

Genes: HEXB (hexosaminidase subunit beta; plus strand), LOC129994060 (ATAC-STARR-seq lymphoblastoid active region 22672; plus strand), LOC129994061 (ATAC-STARR-seq lymphoblastoid active region 22673; plus strand), LOC129994062 (ATAC-STARR-seq lymphoblastoid active region 22674; plus strand). Cytogenetic location: 5q13.3.
Variant type: Deletion.
Identifiers: ClinVar variation 583659 (VCV000583659.1).

ClinVar aggregate classification (germline): Pathogenic (1 of 4 stars; one submission).

Conditions:
Sandhoff disease. Also called: Beta-hexosaminidase-beta-subunit deficiency; GM2 gangliosidosis, type 2; Total hexosaminidase deficiency; Sandhoff-Jatzkewitz-Pilz disease; GM2-GANGLIOSIDOSIS, TYPE II; HEXOSAMINIDASES A AND B DEFICIENCY. Identifiers: Orphanet 796, MedGen C0036161, MONDO:0010006, OMIM 268800.

Submission:

Labcorp Genetics (formerly Invitae), Labcorp
Classification: Pathogenic for Sandhoff disease. Last evaluated: 2017-06-16. Review status: criteria provided, single submitter. Criteria: Invitae Variant Classification Sherloc (09022015). Collection method: clinical testing. Allele origin: germline.
Comment: This variant is a gross deletion of the genomic region encompassing exons 1-5 of the HEXB gene, which includes the initiator codon. The 5' end of this event is unknown as it extends beyond the assayed region for this gene and therefore may encompass additional genes. The 3' boundary is likely confined to intron 5 of the HEXB gene. This is expected to result in an absent or disrupted protein product. This variant has been reported in individuals affected with Sandhoff disease (PMID: 2921040, 23010210). Loss-of-function variants in HEXB are known to be pathogenic (PMID: 18758829, 7550345). For these reasons, this variant has been classified as Pathogenic.

Literature cited by the submitters: PubMed 23010210; PubMed 2921040.